The following is an entry in ClinVar:

NM_015629.4(PRPF31):c.466C>T (p.Gln156Ter)

Gene: PRPF31 (pre-mRNA processing factor 31; plus strand). Cytogenetic location: 19q13.42.
Variant type: single nucleotide variant.
Coding change: c.466C>T on transcript NM_015629.4 (MANE Select); coding-DNA position 466, C replaced by T.
Protein change: p.Gln156Ter; replaces glutamine 156 with a stop codon.
Molecular consequence: nonsense.
Genome position (GRCh38, 1-based): chr19:54,123,499, C>T. VCF-style: chr19-54123499-C-T. GRCh37 (hg19) VCF-style: chr19-54626878-C-T.
Other names: short protein forms Q156*.
Identifiers: ClinVar variation 871362 (VCV000871362.42), dbSNP rs2073842959, ClinGen allele CA407750279.

ClinVar aggregate classification (germline): Pathogenic. Review status: criteria provided, multiple submitters, no conflicts (2 of 4 stars). 2 submissions from 2 submitters: Pathogenic (2). Last evaluated 2023-09-27.

Conditions:
Retinitis pigmentosa 11 (RP11). Identifiers: Orphanet 791, MedGen C1838601, MONDO:0010828, OMIM 600138.

Submissions (2):

3billion
Classification: Pathogenic for Retinitis pigmentosa 11. Last evaluated: 2023-09-27. Review status: criteria provided, single submitter. Criteria: ACMG Guidelines, 2015. Collection method: clinical testing. Allele origin: germline. Affected: yes.
Comment: The variant is not observed in the gnomAD v2.1.1 dataset. Predicted Consequence/Location: Stop-gained (nonsense): predicted to result in a loss or disruption of normal protein function through nonsense-mediated decay (NMD) or protein truncation. Multiple pathogenic variants are reported downstream of the variant. The variant has been reported to be associated with PRPF31-related disorder (ClinVar ID: VCV000871362 /PMID: 26856745 /3billion dataset). Therefore, this variant is classified as Pathogenic according to the recommendation of ACMG/AMP guideline.

CeGaT Center for Human Genetics Tuebingen
Classification: Pathogenic. Last evaluated: 2018-09-01. Review status: criteria provided, single submitter. Criteria: CeGaT Center For Human Genetics Tuebingen Variant Classification Criteria Version 2. Collection method: clinical testing. Allele origin: germline. Affected: yes. Observed: 1 variant allele.

Literature cited by the submitters: PubMed 26856745 (cited by 3billion).